The following is an entry in ClinVar:

ClinVar aggregate classification (germline): Uncertain significance (1 of 4 stars; one submission).

Submission:

GeneDx
Classification: Uncertain significance. Last evaluated: 2022-06-09. Review status: criteria provided, single submitter. Criteria: GeneDx Variant Classification Process June 2021. Collection method: clinical testing. Allele origin: germline. Affected: yes.
Comment: Not observed at significant frequency in large population cohorts (gnomAD); In silico analysis supports that this missense variant has a deleterious effect on protein structure/function; Has not been previously published as pathogenic or benign to our knowledge

NM_173483.4(CYP4F22):c.1475C>T (p.Thr492Ile)

Gene: CYP4F22 (cytochrome P450 family 4 subfamily F member 22; plus strand). Cytogenetic location: 19p13.12.
Variant type: single nucleotide variant.
Coding change: c.1475C>T on transcript NM_173483.4 (MANE Select); coding-DNA position 1475, C replaced by T.
Protein change: p.Thr492Ile; replaces threonine 492 with isoleucine.
Molecular consequence: missense variant.
Genome position (GRCh38, 1-based): chr19:15,551,350, C>T. VCF-style: chr19-15551350-C-T. GRCh37 (hg19) VCF-style: chr19-15662161-C-T.
Other names: short protein forms T492I.
Identifiers: ClinVar variation 1803469 (VCV001803469.1), dbSNP rs2513164035, ClinGen allele CA404544232.
Genomic context (GRCh38, chr19:15,551,350, plus strand): 5'-CCAGGAATTGCATCGGACAGAGCTTCGCCATGGCCGAGTTGCGCGTGGTTGTGGCACTAA[C>T]ACTGCTACGTTTCCGCCTGAGCGTGGACCGAACGCGCAAGGTGCGGCGGAAGCCGGAGCT-3'
Protein context (NP_775754.2, residues 482-502): MAELRVVVAL[Thr492Ile]LLRFRLSVDR